The following is an entry in ClinVar:

NM_017849.4(TMEM127):c.710C>T (p.Thr237Ile)

Gene: TMEM127 (transmembrane protein 127; minus strand). Cytogenetic location: 2q11.2.
Variant type: single nucleotide variant.
Coding change: c.710C>T on transcript NM_017849.4 (MANE Select); coding-DNA position 710, C replaced by T.
Protein change: p.Thr237Ile; replaces threonine 237 with isoleucine.
Molecular consequence: missense variant.
Genome position (GRCh38, 1-based): chr2:96,253,815, G>A on the plus strand (C>T on the coding strand, the complement: TMEM127 is on the minus strand). VCF-style: chr2-96253815-G-A. GRCh37 (hg19) VCF-style: chr2-96919553-G-A.
Other names: c.710C>T, p.Thr237Ile (NM_001193304.3); c.458C>T, p.Thr153Ile (NM_001407282.1, NM_001407283.1); short protein forms T153I, T237I.
Identifiers: ClinVar variation 1968867 (VCV001968867.6), dbSNP rs751135735, ClinGen allele CA1777252.

ClinVar aggregate classification (germline): Uncertain significance. Review status: criteria provided, multiple submitters, no conflicts (2 of 4 stars). 2 submissions from 2 submitters: Uncertain significance (2). Last evaluated 2025-02-16.

Conditions:
Hereditary pheochromocytoma and paraganglioma. Also called: Hereditary paragangliomas and pheochromocytomas; Hereditary Paraganglioma-Pheochromocytoma Syndromes; Hereditary pheochromocytoma-paraganglioma. Identifiers: Orphanet 29072, MedGen C4274332, MONDO:0017366.
Hereditary cancer-predisposing syndrome. Also called: Tumor predisposition; Hereditary Cancer Syndrome; Hereditary neoplastic syndrome; Neoplastic Syndromes, Hereditary. Identifiers: Orphanet 140162, MedGen C0027672, MeSH D009386, MONDO:0015356.

Allele frequency attached by ClinVar (database versions not stated): gnomAD exomes below 0.00001; ExAC 0.00001.
gnomAD v4.1: 1 of 1,610,182 alleles (0.000062%); highest among the groups gnomAD compares: Non-Finnish European, 0.000085%; no homozygotes.

Submissions (2):

Ambry Genetics
Classification: Uncertain significance for Hereditary cancer-predisposing syndrome. Last evaluated: 2025-02-16. Review status: criteria provided, single submitter. Criteria: Ambry Variant Classification Scheme 2023. Collection method: clinical testing. Allele origin: germline.
Comment: The p.T237I variant (also known as c.710C>T), located in coding exon 3 of the TMEM127 gene, results from a C to T substitution at nucleotide position 710. The threonine at codon 237 is replaced by isoleucine, an amino acid with similar properties. This amino acid position is conserved. In addition, the in silico prediction for this alteration is inconclusive. Based on the available evidence, the clinical significance of this variant remains unclear.

Labcorp Genetics (formerly Invitae), Labcorp
Classification: Uncertain significance for Hereditary pheochromocytoma and paraganglioma. Last evaluated: 2024-06-04. Review status: criteria provided, single submitter. Criteria: Invitae Variant Classification Sherloc (09022015). Collection method: clinical testing. Allele origin: germline.
Comment: This sequence change replaces threonine, which is neutral and polar, with isoleucine, which is neutral and non-polar, at codon 237 of the TMEM127 protein (p.Thr237Ile). This variant is present in population databases (rs751135735, gnomAD 0.003%). This variant has not been reported in the literature in individuals affected with TMEM127-related conditions. ClinVar contains an entry for this variant (Variation ID: 1968867). An algorithm developed to predict the effect of missense changes on protein structure and function (PolyPhen-2) suggests that this variant is likely to be tolerated. In summary, the available evidence is currently insufficient to determine the role of this variant in disease. Therefore, it has been classified as a Variant of Uncertain Significance.